The following is an entry in ClinVar:

NM_001105206.3(LAMA4):c.2577G>A (p.Thr859=)

Gene: LAMA4 (laminin subunit alpha 4; minus strand). Cytogenetic location: 6q21.
Variant type: single nucleotide variant.
Coding change: c.2577G>A on transcript NM_001105206.3 (MANE Select); coding-DNA position 2577, G replaced by A.
Protein change: p.Thr859=; no amino-acid change (threonine 859 retained).
Molecular consequence: synonymous variant.
Genome position (GRCh38, 1-based): chr6:112,142,209, C>T on the plus strand (G>A on the coding strand, the complement: LAMA4 is on the minus strand). VCF-style: chr6-112142209-C-T. GRCh37 (hg19) VCF-style: chr6-112463411-C-T.
Other names: c.2556G>A (NM_002290.4); c.2556G>A, p.Thr852= (NM_001105207.3, NM_002290.5).
Identifiers: ClinVar variation 44363 (VCV000044363.15), dbSNP rs397516724, ClinGen allele CA134022.
Genomic context (GRCh38, chr6:112,142,209, plus strand): 5'-ATCTGCAGTCTCGGTCAGTTCCGGCCGCTTCACAGGGGGTTTCATGTACAGGCTCAGAGA[C>T]GTGAAGGCCTTTAAGTCATCCATACTGGTTCTCGAGTGCACTTCCACAGCTGACTGGCCA-3'
Protein context (NP_001098676.2, residues 849-869): RTSMDDLKAF[Thr859=]SLSLYMKPPV

ClinVar aggregate classification (germline): Likely benign. Review status: criteria provided, multiple submitters, no conflicts (2 of 4 stars). 4 submissions from 4 submitters: Likely benign (3). 1 of the submissions does not count toward it. Last evaluated 2025-06-07.

Conditions:
LAMA4-related disorder. Also called: LAMA4-related condition.
Cardiovascular phenotype. Identifiers: MedGen CN230736.
Dilated cardiomyopathy 1JJ (CMD1JJ). Identifiers: Orphanet 154, MedGen C3808935, MONDO:0014095, OMIM 615235.

Allele frequency attached by ClinVar (database versions not stated): TOPMed 0.00001; ExAC 0.00002; gnomAD exomes 0.00005; gnomAD 0.00001.
gnomAD v4.1: 29 of 1,613,982 alleles (0.0018%); highest among the groups gnomAD compares: East Asian, 0.018%; no homozygotes.

Submissions (4):

Labcorp Genetics (formerly Invitae), Labcorp
Classification: Likely benign for Dilated cardiomyopathy 1JJ. Last evaluated: 2025-06-07. Review status: criteria provided, single submitter. Criteria: Invitae Variant Classification Sherloc (09022015). Collection method: clinical testing. Allele origin: germline.

Ambry Genetics
Classification: Likely benign for Cardiovascular phenotype. Last evaluated: 2020-03-11. Review status: criteria provided, single submitter. Criteria: Ambry Variant Classification Scheme 2023. Collection method: clinical testing. Allele origin: germline.

Laboratory for Molecular Medicine, Mass General Brigham Personalized Medicine
Classification: Likely benign. Last evaluated: 2012-01-05. Review status: criteria provided, single submitter. Criteria: LMM Criteria. Collection method: clinical testing. Allele origin: germline. Observed: 1 variant allele.
Comment: Thr852Thr in exon 20 of LAMA4: This variant is not expected to have clinical sig nificance because it does not alter an amino acid residue and is not located wit hin the splice consensus sequence. Thr852Thr in exon 20 of LAMA4 (allele freque ncy = n/a)

PreventionGenetics, part of Exact Sciences
Classification: Likely benign for LAMA4-related condition. Last evaluated: 2019-08-06. Review status: no assertion criteria provided. Collection method: clinical testing. Allele origin: germline. Not counted in ClinVar's aggregate classification.
Comment: This variant is classified as likely benign based on ACMG/AMP sequence variant interpretation guidelines (Richards et al. 2015 PMID: 25741868, with internal and published modifications).